The following is an entry in ClinVar:

ClinVar aggregate classification (germline): Uncertain significance (1 of 4 stars; one submission).

Conditions:
Hajdu-Cheney syndrome (HJCYS). Also called: Acroosteolysis dominant type; ACROOSTEOLYSIS WITH OSTEOPOROSIS AND CHANGES IN SKULL AND MANDIBLE; SERPENTINE FIBULA-POLYCYSTIC KIDNEY SYNDROME. Identifiers: Orphanet 955, MedGen C0917715, MONDO:0007057, OMIM 102500.

gnomAD v4.1: 2 of 1,614,012 alleles (0.00012%); highest among the groups gnomAD compares: Non-Finnish European, 0.00017%; no homozygotes.

Submission:

Labcorp Genetics (formerly Invitae), Labcorp
Classification: Uncertain significance for Hajdu-Cheney syndrome. Last evaluated: 2025-04-10. Review status: criteria provided, single submitter. Criteria: Invitae Variant Classification Sherloc (09022015). Collection method: clinical testing. Allele origin: germline.
Comment: This sequence change replaces isoleucine, which is neutral and non-polar, with asparagine, which is neutral and polar, at codon 730 of the NOTCH2 protein (p.Ile730Asn). This variant is not present in population databases (gnomAD no frequency). This variant has not been reported in the literature in individuals affected with NOTCH2-related conditions. Invitae Evidence Modeling of protein sequence and biophysical properties (such as structural, functional, and spatial information, amino acid conservation, physicochemical variation, residue mobility, and thermodynamic stability) indicates that this missense variant is not expected to disrupt NOTCH2 protein function with a negative predictive value of 80%. In summary, the available evidence is currently insufficient to determine the role of this variant in disease. Therefore, it has been classified as a Variant of Uncertain Significance.

NM_024408.4(NOTCH2):c.2189T>A (p.Ile730Asn)

Gene: NOTCH2 (notch receptor 2; minus strand). Cytogenetic location: 1p12.
Variant type: single nucleotide variant.
Coding change: c.2189T>A on transcript NM_024408.4 (MANE Select); coding-DNA position 2189, T replaced by A.
Protein change: p.Ile730Asn; replaces isoleucine 730 with asparagine.
Molecular consequence: missense variant.
Genome position (GRCh38, 1-based): chr1:119,955,070, A>T on the plus strand (T>A on the coding strand, the complement: NOTCH2 is on the minus strand). VCF-style: chr1-119955070-A-T. GRCh37 (hg19) VCF-style: chr1-120497693-A-T.
Other names: c.2189T>A, p.Ile730Asn (NM_001200001.2); short protein forms I730N.
Identifiers: ClinVar variation 4742336 (VCV004742336.1).